The following is an entry in ClinVar:

NM_001042492.3(NF1):c.814A>G (p.Ile272Val)

Gene: NF1 (neurofibromin 1; plus strand). Cytogenetic location: 17q11.2.
Variant type: single nucleotide variant.
Coding change: c.814A>G on transcript NM_001042492.3 (MANE Select); coding-DNA position 814, A replaced by G.
Protein change: p.Ile272Val; replaces isoleucine 272 with valine.
Molecular consequence: missense variant.
Genome position (GRCh38, 1-based): chr17:31,182,591, A>G. VCF-style: chr17-31182591-A-G. GRCh37 (hg19) VCF-style: chr17-29509609-A-G.
Other names: c.814A>G, p.Ile272Val (NM_000267.4, NM_001128147.3); short protein forms I272V.
Identifiers: ClinVar variation 527495 (VCV000527495.6), dbSNP rs1555608971, ClinGen allele CA398990963.
Genomic context (GRCh38, chr17:31,182,591, plus strand): 5'-TTGGTGGATGGTTTTGCTGAAAGCACCAAACGTAAAGCAGCAGTTTGGCCACTACAAATC[A>G]TTCTCCTTATCTTGTGTCCAGAAATAATCCAGGATATATCCAAAGACGTGGTTGATGAAA-3'
Protein context (NP_001035957.1, residues 262-282): RKAAVWPLQI[Ile272Val]LLILCPEIIQ

ClinVar aggregate classification (germline): Uncertain significance. Review status: criteria provided, multiple submitters, no conflicts (2 of 4 stars). 2 submissions from 2 submitters: Uncertain significance (2). Last evaluated 2023-09-26.

Conditions:
Cardiovascular phenotype. Identifiers: MedGen CN230736.
Hereditary cancer-predisposing syndrome. Also called: Neoplastic Syndromes, Hereditary; Tumor predisposition; Hereditary neoplastic syndrome; Hereditary Cancer Syndrome. Identifiers: Orphanet 140162, MedGen C0027672, MeSH D009386, MONDO:0015356.
Neurofibromatosis, type 1 (NF1). Also called: VON RECKLINGHAUSEN DISEASE; NEUROFIBROMATOSIS, TYPE I, SOMATIC; Peripheral type neurofibromatosis; Neurofibromatosis, type I. Identifiers: Orphanet 636, MedGen C0027831, MONDO:0018975, OMIM 162200. Disease mechanism: loss of function.

Submissions (2):

Ambry Genetics
Classification: Uncertain significance for Cardiovascular phenotype; Hereditary cancer-predisposing syndrome. Last evaluated: 2023-09-26. Review status: criteria provided, single submitter. Criteria: Ambry Variant Classification Scheme 2023. Collection method: clinical testing. Allele origin: germline.
Comment: The p.I272V variant (also known as c.814A>G), located in coding exon 8 of the NF1 gene, results from an A to G substitution at nucleotide position 814. The isoleucine at codon 272 is replaced by valine, an amino acid with highly similar properties. This amino acid position is highly conserved in available vertebrate species. In addition, the in silico prediction for this alteration is inconclusive. Since supporting evidence is limited at this time, the clinical significance of this alteration remains unclear.

Labcorp Genetics (formerly Invitae), Labcorp
Classification: Uncertain significance for Neurofibromatosis, type 1. Last evaluated: 2021-06-09. Review status: criteria provided, single submitter. Criteria: Invitae Variant Classification Sherloc (09022015). Collection method: clinical testing. Allele origin: germline.
Comment: In summary, the available evidence is currently insufficient to determine the role of this variant in disease. Therefore, it has been classified as a Variant of Uncertain Significance. This sequence change replaces isoleucine with valine at codon 272 of the NF1 protein (p.Ile272Val). The isoleucine residue is moderately conserved and there is a small physicochemical difference between isoleucine and valine. This variant is not present in population databases (ExAC no frequency). This variant has not been reported in the literature in individuals with NF1-related disease. Algorithms developed to predict the effect of missense changes on protein structure and function do not agree on the potential impact of this missense change (SIFT: "Tolerated"; PolyPhen-2: "Possibly Damaging"; Align-GVGD: "Class C0").